The following is an entry in ClinVar:

NM_001370259.2(MEN1):c.390C>T (p.Ser130=)

Gene: MEN1 (menin 1; minus strand). Cytogenetic location: 11q13.1.
Variant type: single nucleotide variant.
Coding change: c.390C>T on transcript NM_001370259.2 (MANE Select); coding-DNA position 390, C replaced by T.
Protein change: p.Ser130=; no amino-acid change (serine 130 retained).
Molecular consequence: synonymous variant.
Genome position (GRCh38, 1-based): chr11:64,809,720, G>A on the plus strand (C>T on the coding strand, the complement: MEN1 is on the minus strand). VCF-style: chr11-64809720-G-A. GRCh37 (hg19) VCF-style: chr11-64577192-G-A.
Other names: c.390C>T, p.Ser130= (NM_130799.3, NM_130800.3, NM_000244.4 and 9 more transcripts).
Identifiers: ClinVar variation 758319 (VCV000758319.13), dbSNP rs771272168, ClinGen allele CA061108.
Genomic context (GRCh38, chr11:64,809,720, plus strand): 5'-CCAACCTGTGATGAAGCTGAAGAGGGACTGGATGTGGGCCCGATCCTTGAAGTAGGAGCG[G>A]CTGAGGCTGTTCCATATGACATCGGAGACCTTCTTCACCAGCTCACGGCTGGAGACACCC-3'
Protein context (NP_001357188.2, residues 120-140): KVSDVIWNSL[Ser130=]RSYFKDRAHI

ClinVar aggregate classification (germline): Benign/Likely benign. Review status: criteria provided, multiple submitters, no conflicts (2 of 4 stars). 3 submissions from 3 submitters: Benign (1); Likely benign (2). Last evaluated 2025-07-06.

Conditions:
Multiple endocrine neoplasia, type 1 (MEN1). Also called: MEA I; WERMER SYNDROME; Endocrine adenomatosis multiple; MEN 1; MEN I. Identifiers: Orphanet 652, MedGen C0025267, MeSH D018761, MONDO:0007540, OMIM 131100.
Hereditary cancer-predisposing syndrome. Also called: Tumor predisposition; Hereditary Cancer Syndrome; Neoplastic Syndromes, Hereditary; Hereditary neoplastic syndrome. Identifiers: Orphanet 140162, MedGen C0027672, MeSH D009386, MONDO:0015356.

Allele frequency attached by ClinVar (database versions not stated): gnomAD exomes below 0.00001 and 0.00001; ExAC 0.00002.

Submissions (3):

Labcorp Genetics (formerly Invitae), Labcorp
Classification: Likely benign for Multiple endocrine neoplasia, type 1. Last evaluated: 2025-07-06. Review status: criteria provided, single submitter. Criteria: Invitae Variant Classification Sherloc (09022015). Collection method: clinical testing. Allele origin: germline.

Myriad Genetics, Inc.
Classification: Benign for Multiple endocrine neoplasia, type 1. Last evaluated: 2024-11-01. Review status: criteria provided, single submitter. Criteria: Myriad Autosomal Dominant, Autosomal Recessive and X-Linked Classification Criteria (2023). Collection method: clinical testing. Allele origin: unknown.
Comment: This variant is considered benign. This variant is a silent/synonymous amino acid change and it is not expected to impact splicing.

Ambry Genetics
Classification: Likely benign for Hereditary cancer-predisposing syndrome. Last evaluated: 2017-12-15. Review status: criteria provided, single submitter. Criteria: Ambry Variant Classification Scheme 2023. Collection method: clinical testing. Allele origin: germline.